The following is an entry in ClinVar:

ClinVar aggregate classification (germline): Uncertain significance (1 of 4 stars; one submission).

Conditions:
Tuberous sclerosis 2 (TSC2). Identifiers: Orphanet 805, MedGen C1860707, MONDO:0013199, OMIM 613254.

Submission:

Labcorp Genetics (formerly Invitae), Labcorp
Classification: Uncertain significance for Tuberous sclerosis 2. Last evaluated: 2025-12-24. Review status: criteria provided, single submitter. Criteria: Invitae Variant Classification Sherloc (09022015). Collection method: clinical testing. Allele origin: germline.
Comment: This sequence change falls in intron 11 of the TSC2 gene. It does not directly change the encoded amino acid sequence of the TSC2 protein. It affects a nucleotide within the consensus splice site. This variant is not present in population databases (gnomAD no frequency). This variant has not been reported in the literature in individuals affected with TSC2-related conditions. Variants that disrupt the consensus splice site are a relatively common cause of aberrant splicing (PMID: 17576681, 9536098). Studies have shown that this variant is associated with altered splicing resulting in multiple RNA products (internal data). In summary, the available evidence is currently insufficient to determine the role of this variant in disease. Therefore, it has been classified as a Variant of Uncertain Significance.

Literature cited by the submitters: PubMed 17576681; PubMed 9536098.

NM_000548.5(TSC2):c.1120-3C>A

Gene: TSC2 (TSC complex subunit 2; plus strand). Cytogenetic location: 16p13.3.
Variant type: single nucleotide variant.
Coding change: c.1120-3C>A on transcript NM_000548.5 (MANE Select); 3 bases into the intron before coding-DNA position 1120, C replaced by A.
Molecular consequence: intron variant.
Genome position (GRCh38, 1-based): chr16:2,061,868, C>A. VCF-style: chr16-2061868-C-A. GRCh37 (hg19) VCF-style: chr16-2111869-C-A.
Other names: c.-225-3C>A (NM_001406693.1, NM_001406689.1, NM_001406690.1 and 4 more transcripts); c.1210-3C>A (NM_001406667.1, NM_001406668.1); c.520-3C>A (NM_001406680.1, NM_001406683.1, NM_001406687.1 and 6 more transcripts); c.-401-3C>A (NM_001406698.1); c.1120-3C>A (NM_001114382.3, NM_001406663.1, NM_001406664.1 and 6 more transcripts); c.-193-3C>A (NM_001406694.1, NM_001406695.1); c.1108-3C>A (NM_001406671.1, NM_001406673.1); c.658-3C>A (NM_001406681.1); and 4 more.
Identifiers: ClinVar variation 4734071 (VCV004734071.1).
Genomic context (GRCh38, chr16:2,061,868, plus strand): 5'-CTCTGGTGCCAAGTCCATGTGGGGAGTGGAAGTCAGCCTGTGTCATCGTGCCTGGTACTG[C>A]AGACCTTGGACAGCCCGGAGCTCAGGACCATCGTCCATGACCTGTTGACCACGGTGGAGG-3'